The following is an entry in ClinVar:

NM_001330078.2(NRXN1):c.1620C>A (p.Phe540Leu)

Gene: NRXN1 (neurexin 1; minus strand). Cytogenetic location: 2p16.3.
Variant type: single nucleotide variant.
Coding change: c.1620C>A on transcript NM_001330078.2 (MANE Select); coding-DNA position 1620, C replaced by A.
Protein change: p.Phe540Leu; replaces phenylalanine 540 with leucine.
Molecular consequence: missense variant.
Genome position (GRCh38, 1-based): chr2:50,552,726, G>T on the plus strand (C>A on the coding strand, the complement: NRXN1 is on the minus strand). VCF-style: chr2-50552726-G-T. GRCh37 (hg19) VCF-style: chr2-50779864-G-T.
Other names: c.1740C>A, p.Phe580Leu (NM_001135659.3); c.1596C>A, p.Phe532Leu (NM_001330077.2, NM_001330082.2, NM_001330095.2); c.1581C>A, p.Phe527Leu (NM_001330083.2, NM_001330084.2); c.1620C>A, p.Phe540Leu (NM_001330085.2, NM_001330086.2, NM_004801.6); c.1536C>A, p.Phe512Leu (NM_001330087.2, NM_001330096.2); c.1566C>A, p.Phe522Leu (NM_001330088.2); c.1617C>A, p.Phe539Leu (NM_001330093.2); c.1608C>A, p.Phe536Leu (NM_001330094.2); short protein forms F539L, F512L, F522L, F527L, F536L, F580L, F532L, F540L.
Identifiers: ClinVar variation 2160403 (VCV002160403.4), dbSNP rs1667707843, ClinGen allele CA346773246.

ClinVar aggregate classification (germline): Uncertain significance (1 of 4 stars; one submission).

Conditions:
Pitt-Hopkins-like syndrome 2 (PTHSL2). Identifiers: Orphanet 221150, Orphanet 600663, MedGen C3280479, MONDO:0013690, OMIM 614325.

Submission:

Labcorp Genetics (formerly Invitae), Labcorp
Classification: Uncertain significance for Pitt-Hopkins-like syndrome 2. Last evaluated: 2025-02-20. Review status: criteria provided, single submitter. Criteria: Invitae Variant Classification Sherloc (09022015). Collection method: clinical testing. Allele origin: germline.
Comment: This sequence change replaces phenylalanine, which is neutral and non-polar, with leucine, which is neutral and non-polar, at codon 580 of the NRXN1 protein (p.Phe580Leu). This variant is not present in population databases (gnomAD no frequency). This variant has not been reported in the literature in individuals affected with NRXN1-related conditions. ClinVar contains an entry for this variant (Variation ID: 2160403). An algorithm developed to predict the effect of missense changes on protein structure and function (PolyPhen-2) suggests that this variant is likely to be tolerated. In summary, the available evidence is currently insufficient to determine the role of this variant in disease. Therefore, it has been classified as a Variant of Uncertain Significance.